The following is an entry in ClinVar:

NM_001199138.2(NLRC4):c.577G>C (p.Ala193Pro)

Gene: NLRC4 (NLR family CARD domain containing 4; minus strand). Cytogenetic location: 2p22.3.
Variant type: single nucleotide variant.
Coding change: c.577G>C on transcript NM_001199138.2 (MANE Select); coding-DNA position 577, G replaced by C.
Protein change: p.Ala193Pro; replaces alanine 193 with proline.
Molecular consequence: missense variant. On other transcripts: intron variant (1).
Genome position (GRCh38, 1-based): chr2:32,251,287, C>G on the plus strand (G>C on the coding strand, the complement: NLRC4 is on the minus strand). VCF-style: chr2-32251287-C-G. GRCh37 (hg19) VCF-style: chr2-32476356-C-G.
Other names: c.577G>C, p.Ala193Pro (NM_001199139.2, NM_021209.5); c.262+1132G>C (NM_001302504.1); short protein forms A193P.
Identifiers: ClinVar variation 1439372 (VCV001439372.10), dbSNP rs375370365, ClinGen allele CA1602114.

ClinVar aggregate classification (germline): Uncertain significance. Review status: criteria provided, multiple submitters, no conflicts (2 of 4 stars). 3 submissions from 3 submitters: Uncertain significance (3). Last evaluated 2025-12-09.

Conditions:
Inborn genetic diseases. Identifiers: MedGen C0950123, MeSH D030342.
Familial cold autoinflammatory syndrome 4 (FCAS4). Identifiers: Orphanet 47045, Orphanet 576349, MedGen C4015276, MONDO:0014498, OMIM 616115.
Periodic fever-infantile enterocolitis-autoinflammatory syndrome. Also called: Autoinflammation with infantile enterocolitis. Identifiers: Orphanet 436166, MedGen C4015067, MONDO:0014472, OMIM 616050.

Allele frequency attached by ClinVar (database versions not stated): gnomAD exomes below 0.00001; gnomAD 0.00001; ESP Exome Variant Server 0.00008; TOPMed below 0.00001; ExAC 0.00001.
gnomAD v4.1: 6 of 1,614,020 alleles (0.00037%); highest among the groups gnomAD compares: Non-Finnish European, 0.00042%; no homozygotes.

Submissions (3):

Women's Health and Genetics/Laboratory Corporation of America, LabCorp
Classification: Uncertain significance. Last evaluated: 2025-12-09. Review status: criteria provided, single submitter. Criteria: LabCorp Variant Classification Summary - May 2015. Collection method: clinical testing. Allele origin: germline.
Comment: Variant summary: NLRC4 c.577G>C (p.Ala193Pro) results in a non-conservative amino acid change in the encoded protein sequence. Algorithms developed to predict the effect of missense changes on protein structure and function are either unavailable or do not agree on the potential impact of this missense change. The variant allele was found at a frequency of 4e-06 in 251402 control chromosomes. The available data on variant occurrences in the general population are insufficient to allow any conclusion about variant significance. To our knowledge, no occurrence of c.577G>C in individuals affected with NLRC4-related conditions and no experimental evidence demonstrating its impact on protein function have been reported. ClinVar contains an entry for this variant (Variation ID: 1439372). Based on the evidence outlined above, the variant was classified as uncertain significance.

Labcorp Genetics (formerly Invitae), Labcorp
Classification: Uncertain significance for Periodic fever-infantile enterocolitis-autoinflammatory syndrome; Familial cold autoinflammatory syndrome 4. Last evaluated: 2025-06-09. Review status: criteria provided, single submitter. Criteria: Invitae Variant Classification Sherloc (09022015). Collection method: clinical testing. Allele origin: germline.
Comment: This sequence change replaces alanine, which is neutral and non-polar, with proline, which is neutral and non-polar, at codon 193 of the NLRC4 protein (p.Ala193Pro). This variant is present in population databases (rs375370365, gnomAD 0.0009%). This variant has not been reported in the literature in individuals affected with NLRC4-related conditions. ClinVar contains an entry for this variant (Variation ID: 1439372). Invitae Evidence Modeling of protein sequence and biophysical properties (such as structural, functional, and spatial information, amino acid conservation, physicochemical variation, residue mobility, and thermodynamic stability) indicates that this missense variant is not expected to disrupt NLRC4 protein function with a negative predictive value of 80%. In summary, the available evidence is currently insufficient to determine the role of this variant in disease. Therefore, it has been classified as a Variant of Uncertain Significance.

Ambry Genetics
Classification: Uncertain significance for Inborn genetic diseases. Last evaluated: 2024-05-08. Review status: criteria provided, single submitter. Criteria: Ambry Variant Classification Scheme 2023. Collection method: clinical testing. Allele origin: germline.